The following is an entry in ClinVar:

ClinVar aggregate classification (germline): Uncertain significance. Review status: criteria provided, multiple submitters, no conflicts (2 of 4 stars). 4 submissions from 4 submitters: Uncertain significance (4). Last evaluated 2025-11-17.

Conditions:
Familial adenomatous polyposis 1 (FAP1). Also called: POLYPOSIS, ADENOMATOUS INTESTINAL; FAMILIAL ADENOMATOUS POLYPOSIS 1, ATTENUATED. Identifiers: MedGen C2713442, MONDO:0021056, OMIM 175100. Disease mechanism: loss of function.
Hereditary cancer-predisposing syndrome. Also called: Hereditary neoplastic syndrome; Neoplastic Syndromes, Hereditary; Tumor predisposition; Hereditary Cancer Syndrome. Identifiers: Orphanet 140162, MedGen C0027672, MeSH D009386, MONDO:0015356.

Submissions (4):

Women's Health and Genetics/Laboratory Corporation of America, LabCorp
Classification: Uncertain significance. Last evaluated: 2025-11-17. Review status: criteria provided, single submitter. Criteria: LabCorp Variant Classification Summary - May 2015. Collection method: clinical testing. Allele origin: germline.
Comment: Variant summary: APC c.4318C>T (p.Pro1440Ser) results in a non-conservative amino acid change in the encoded protein sequence. Algorithms developed to predict the effect of missense changes on protein structure and function all suggest that this variant is likely to be disruptive. The variant was absent in 251060 control chromosomes. The available data on variant occurrences in the general population are insufficient to allow any conclusion about variant significance. To our knowledge, no occurrence of c.4318C>T in individuals affected with APC-related conditions and no experimental evidence demonstrating its impact on protein function have been reported. ClinVar contains an entry for this variant (Variation ID: 834336). Based on the evidence outlined above, the variant was classified as uncertain significance.

Labcorp Genetics (formerly Invitae), Labcorp
Classification: Uncertain significance for Familial adenomatous polyposis 1. Last evaluated: 2024-12-12. Review status: criteria provided, single submitter. Criteria: Invitae Variant Classification Sherloc (09022015). Collection method: clinical testing. Allele origin: germline.
Comment: This sequence change replaces proline, which is neutral and non-polar, with serine, which is neutral and polar, at codon 1440 of the APC protein (p.Pro1440Ser). This variant is not present in population databases (gnomAD no frequency). This variant has not been reported in the literature in individuals affected with APC-related conditions. ClinVar contains an entry for this variant (Variation ID: 834336). Invitae Evidence Modeling of protein sequence and biophysical properties (such as structural, functional, and spatial information, amino acid conservation, physicochemical variation, residue mobility, and thermodynamic stability) indicates that this missense variant is not expected to disrupt APC protein function with a negative predictive value of 95%. In summary, the available evidence is currently insufficient to determine the role of this variant in disease. Therefore, it has been classified as a Variant of Uncertain Significance.

Ambry Genetics
Classification: Uncertain significance for Hereditary cancer-predisposing syndrome. Last evaluated: 2024-06-07. Review status: criteria provided, single submitter. Criteria: Ambry Variant Classification Scheme 2023. Collection method: clinical testing. Allele origin: germline.
Comment: The p.P1440S variant (also known as c.4318C>T), located in coding exon 15 of the APC gene, results from a C to T substitution at nucleotide position 4318. The proline at codon 1440 is replaced by serine, an amino acid with similar properties. In another study, this alteration was identified in 6/1358 non-cancer control individuals and in 0/57 cases, in a study looking at cancer predisposition mutations in patients with cutaneous melanoma and a history of at least two additional non-cutaneous melanoma primary cancers (Pritchard AL et al. PLoS One, 2018 Apr;13:e0194098). This amino acid position is highly conserved in available vertebrate species. In addition, in silico predictors for this gene do not accurately predict pathogenicity. Missense alterations in APC are not a common cause of disease (Spier I et al. Genet Med. 2024 Feb;26(2):100992). Since supporting evidence is limited at this time, the clinical significance of this alteration remains unclear.

GeneDx
Classification: Uncertain significance. Last evaluated: 2022-09-07. Review status: criteria provided, single submitter. Criteria: GeneDx Variant Classification Process June 2021. Collection method: clinical testing. Allele origin: germline. Affected: yes.
Comment: Not observed at significant frequency in large population cohorts (gnomAD); In silico analysis supports that this missense variant does not alter protein structure/function; Observed in an individual with a personal and/or family history of multiple colonic polyps, colorectal cancer, and other cancers (Djursby et al., 2020); This variant is associated with the following publications: (PMID: 18199528, 33193653)

Literature cited by the submitters: PubMed 29641532 (cited by Ambry Genetics); PubMed 33193653 (cited by Ambry Genetics).

NM_000038.6(APC):c.4318C>T (p.Pro1440Ser)

Gene: APC (APC regulator of Wnt signaling pathway; plus strand). Cytogenetic location: 5q22.2.
Variant type: single nucleotide variant.
Coding change: c.4318C>T on transcript NM_000038.6 (MANE Select); coding-DNA position 4318, C replaced by T.
Protein change: p.Pro1440Ser; replaces proline 1440 with serine.
Molecular consequence: missense variant.
Genome position (GRCh38, 1-based): chr5:112,839,912, C>T. VCF-style: chr5-112839912-C-T. GRCh37 (hg19) VCF-style: chr5-112175609-C-T.
Other names: c.4318C>T, p.Pro1440Ser (NM_001127510.3, NM_001354895.2); c.4264C>T, p.Pro1422Ser (NM_001127511.3); c.4372C>T, p.Pro1458Ser (NM_001354896.2); c.4348C>T, p.Pro1450Ser (NM_001354897.2); c.4243C>T, p.Pro1415Ser (NM_001354898.2); c.4234C>T, p.Pro1412Ser (NM_001354899.2); c.4195C>T, p.Pro1399Ser (NM_001354900.2); c.4141C>T, p.Pro1381Ser (NM_001354901.2); and 5 more; short protein forms P1314S, P1280S, P1339S, P1349S, P1422S, P1450S, P1458S, P1157S.
Identifiers: ClinVar variation 834336 (VCV000834336.16), dbSNP rs1554085758, ClinGen allele CA16030797.